The following is an entry in ClinVar:

ClinVar aggregate classification (germline): Uncertain significance (1 of 4 stars; one submission).

Conditions:
Emery-Dreifuss muscular dystrophy 5, autosomal dominant (EDMD5). Also called: EMERY-DREIFUSS MUSCULAR DYSTROPHY 5. Identifiers: Orphanet 261, MedGen C2751805, MONDO:0013072, OMIM 612999.

gnomAD v4.1: 2 of 1,614,074 alleles (0.00012%); highest among the groups gnomAD compares: Admixed American, 0.0017%; no homozygotes.

Submission:

Labcorp Genetics (formerly Invitae), Labcorp
Classification: Uncertain significance for Emery-Dreifuss muscular dystrophy 5, autosomal dominant. Last evaluated: 2025-03-26. Review status: criteria provided, single submitter. Criteria: Invitae Variant Classification Sherloc (09022015). Collection method: clinical testing. Allele origin: germline.
Comment: This sequence change replaces arginine, which is basic and polar, with leucine, which is neutral and non-polar, at codon 6205 of the SYNE2 protein (p.Arg6205Leu). The frequency data for this variant in the population databases is considered unreliable, as metrics indicate poor data quality at this position in the gnomAD database. This variant has not been reported in the literature in individuals affected with SYNE2-related conditions. An algorithm developed to predict the effect of missense changes on protein structure and function (PolyPhen-2) suggests that this variant is likely to be disruptive. In summary, the available evidence is currently insufficient to determine the role of this variant in disease. Therefore, it has been classified as a Variant of Uncertain Significance.

NM_182914.3(SYNE2):c.18614G>T (p.Arg6205Leu)

Gene: SYNE2 (spectrin repeat containing nuclear envelope protein 2; plus strand). Cytogenetic location: 14q23.2.
Variant type: single nucleotide variant.
Coding change: c.18614G>T on transcript NM_182914.3 (MANE Select); coding-DNA position 18614, G replaced by T.
Protein change: p.Arg6205Leu; replaces arginine 6205 with leucine.
Molecular consequence: missense variant.
Genome position (GRCh38, 1-based): chr14:64,210,015, G>T. VCF-style: chr14-64210015-G-T. GRCh37 (hg19) VCF-style: chr14-64676733-G-T.
Other names: c.18614G>T, p.Arg6205Leu (NM_015180.6); short protein forms R6205L.
Identifiers: ClinVar variation 4748381 (VCV004748381.1).
Genomic context (GRCh38, chr14:64,210,015, plus strand): 5'-AGATTCATGAGCGGCTCACTCAGCTGGAGCTCATCAACAAGCAGTACCGGCGGCTGGCCC[G>T]GGAGAACCGCACAGACACGGCCAGCAGGCTGAAGCAGATGGTCCACGAGGGCAACCAGCG-3'
Protein context (NP_878918.2, residues 6195-6215): LINKQYRRLA[Arg6205Leu]ENRTDTASRL